The following is an entry in ClinVar:

NM_001374675.1(HSF4):c.355C>T (p.Arg119Cys)

Gene: HSF4 (heat shock transcription factor 4; plus strand). Cytogenetic location: 16q22.1.
Variant type: single nucleotide variant.
Coding change: c.355C>T on transcript NM_001374675.1 (MANE Select); coding-DNA position 355, C replaced by T.
Protein change: p.Arg119Cys; replaces arginine 119 with cysteine.
Molecular consequence: missense variant.
Genome position (GRCh38, 1-based): chr16:67,165,841, C>T. VCF-style: chr16-67165841-C-T. GRCh37 (hg19) VCF-style: chr16-67199744-C-T.
Other names: R120C; c.355C>T, p.Arg119Cys (NM_001040667.3, NM_001374674.1, NM_001538.4); c.355C>T (NM_001538.3); short protein forms R119C.
Identifiers: ClinVar variation 7093 (VCV000007093.3), dbSNP rs28937573, ClinGen allele CA118625.

ClinVar aggregate classification (germline): Pathogenic. Review status: criteria provided, multiple submitters, no conflicts (2 of 4 stars). 3 submissions from 3 submitters: Pathogenic (2). 1 of the submissions does not count toward it. Last evaluated 2025-04-17.

Conditions:
HSF4-related disorder. Also called: HSF4-related condition.
Cataract 5 multiple types (CTRCT5). Also called: CATARACT, MARNER TYPE; CATARACT 5, LAMELLAR; Lamellar cataract. Identifiers: Orphanet 91492, MedGen C0266537, MONDO:0007290, OMIM 116800, HP:0007971.

Submissions (3):

PreventionGenetics, part of Exact Sciences
Classification: Pathogenic for HSF4-related condition. Last evaluated: 2025-04-17. Review status: criteria provided, single submitter. Criteria: ACMG Guidelines, 2015. Collection method: clinical testing. Allele origin: germline.
Comment: The HSF4 c.355C>T variant is predicted to result in the amino acid substitution p.Arg119Cys. This variant, also reported in the literature as Arg120Cys, has been reported in individuals with cataracts (Bu et al. 2002. PubMed ID: 12089525; Kessel et al. 2021. PubMed ID: 34169787) and functional studies support that this variant disrupts the ability of HSF4 to activate transcription (Enoki et al. 2010. PubMed ID: 20670914). This variant has not been reported in a large population database (gnomAD), indicating that it is rare. Of note, other variants impacting the same amino acid (p.Arg119His and p.Arg119Leu) have also been reported in individuals with cataracts (Li et al. 2019. PubMed ID: 31842807; Kessel et al. 2021. PubMed ID: 34169). Based on this evidence, we interpret the c.355C>T (p.Arg119Cys) variant as pathogenic.

Blueprint Genetics
Classification: Pathogenic for HSF4-related disorders. Last evaluated: 2020-10-15. Review status: criteria provided, single submitter. Criteria: ACMG Guidelines, 2015. Collection method: clinical testing. Allele origin: germline. Affected: yes. Observed: 1 variant allele.

OMIM
Classification: Pathogenic for CATARACT 5, MULTIPLE TYPES. Last evaluated: 2002-07-01. Review status: no assertion criteria provided. Collection method: literature only. Allele origin: germline. Not counted in ClinVar's aggregate classification.

Literature cited by the submitters: Marner, E. A family with eight generations of hereditary cataract. Acta Ophthal. 27: 537-551, 1949. (cited by OMIM); PubMed 3233780 (cited by OMIM); PubMed 12089525 (cited by OMIM).